The following is an entry in ClinVar:

ClinVar aggregate classification (germline): Uncertain significance (1 of 4 stars; one submission).

Conditions:
Mitochondrial hypertrophic cardiomyopathy with lactic acidosis due to MTO1 deficiency. Also called: Combined oxidative phosphorylation deficiency 10; CARDIOMYOPATHY, INFANTILE HYPERTROPHIC MITOCHONDRIAL, AND LACTIC ACIDOSIS. Identifiers: Orphanet 314637, MedGen C4749921, MONDO:0013865, OMIM 614702.

Allele frequency attached by ClinVar (database versions not stated): ExAC 0.00001.

Submission:

Labcorp Genetics (formerly Invitae), Labcorp
Classification: Uncertain significance for Mitochondrial hypertrophic cardiomyopathy with lactic acidosis due to MTO1 deficiency. Last evaluated: 2021-08-17. Review status: criteria provided, single submitter. Criteria: Invitae Variant Classification Sherloc (09022015). Collection method: clinical testing. Allele origin: germline.
Comment: This sequence change replaces lysine with asparagine at codon 227 of the MTO1 protein (p.Lys227Asn). The lysine residue is moderately conserved and there is a moderate physicochemical difference between lysine and asparagine. This variant is present in population databases (rs781586985, ExAC 0.001%). This variant has not been reported in the literature in individuals affected with MTO1-related conditions. Algorithms developed to predict the effect of missense changes on protein structure and function output the following: SIFT: "Deleterious"; PolyPhen-2: "Benign"; Align-GVGD: "Class C0". The asparagine amino acid residue is found in multiple mammalian species, which suggests that this missense change does not adversely affect protein function. In summary, the available evidence is currently insufficient to determine the role of this variant in disease. Therefore, it has been classified as a Variant of Uncertain Significance.

NM_012123.4(MTO1):c.681G>T (p.Lys227Asn)

Gene: MTO1 (mitochondrial tRNA translation optimization 1; plus strand). Cytogenetic location: 6q13.
Variant type: single nucleotide variant.
Coding change: c.681G>T on transcript NM_012123.4 (MANE Select); coding-DNA position 681, G replaced by T.
Protein change: p.Lys227Asn; replaces lysine 227 with asparagine.
Molecular consequence: missense variant.
Genome position (GRCh38, 1-based): chr6:73,473,510, G>T. VCF-style: chr6-73473510-G-T. GRCh37 (hg19) VCF-style: chr6-74183233-G-T.
Other names: c.681G>T, p.Lys227Asn (NM_001123226.2, NM_133645.3); short protein forms K227N.
Identifiers: ClinVar variation 1375771 (VCV001375771.6), dbSNP rs781586985, ClinGen allele CA3889418.